The following is an entry in ClinVar:

NM_003737.4(DCHS1):c.3813G>C (p.Gly1271=)

Gene: DCHS1 (dachsous cadherin-related 1; minus strand). Cytogenetic location: 11p15.4.
Variant type: single nucleotide variant.
Coding change: c.3813G>C on transcript NM_003737.4 (MANE Select); coding-DNA position 3813, G replaced by C.
Protein change: p.Gly1271=; no amino-acid change (glycine 1271 retained).
Molecular consequence: synonymous variant.
Genome position (GRCh38, 1-based): chr11:6,631,170, C>G on the plus strand (G>C on the coding strand, the complement: DCHS1 is on the minus strand). VCF-style: chr11-6631170-C-G. GRCh37 (hg19) VCF-style: chr11-6652401-C-G.
Identifiers: ClinVar variation 4085862 (VCV004085862.8).
Genomic context (GRCh38, chr11:6,631,170, plus strand): 5'-CAGTGTCAGCACATAGTGGGGCCGCTCTGCTCGGATCAGGGGAGCTGCAGTGAGCAGCTC[C>G]CCTGAGTGAGGGTGCAGAGAGAAAAGCTCTGAGCCAGGACCTGGGGACAGGCAGAGGAAG-3'
Protein context (NP_003728.1, residues 1261-1281): SELFSLHPHS[Gly1271=]ELLTAAPLIR

ClinVar aggregate classification (germline): Likely benign (1 of 4 stars; one submission).

gnomAD v4.1: 2 of 1,611,636 alleles (0.00012%); highest among the groups gnomAD compares: Non-Finnish European, 0.00017%; no homozygotes.

Submission:

CeGaT Center for Human Genetics Tuebingen
Classification: Likely benign. Last evaluated: 2025-08-01. Review status: criteria provided, single submitter. Criteria: CeGaT Center For Human Genetics Tuebingen Variant Classification Criteria Version 2. Collection method: clinical testing. Allele origin: germline. Affected: yes. Observed: 1 variant allele.
Comment: DCHS1: BP4, BP7